The following is an entry in ClinVar:

NM_032119.4(ADGRV1):c.323C>G (p.Pro108Arg)

Gene: ADGRV1 (adhesion G protein-coupled receptor V1; plus strand). Cytogenetic location: 5q14.3.
Variant type: single nucleotide variant.
Coding change: c.323C>G on transcript NM_032119.4 (MANE Select); coding-DNA position 323, C replaced by G.
Protein change: p.Pro108Arg; replaces proline 108 with arginine.
Molecular consequence: missense variant. On other transcripts: non-coding transcript variant (1).
Genome position (GRCh38, 1-based): chr5:90,617,919, C>G. VCF-style: chr5-90617919-C-G. GRCh37 (hg19) VCF-style: chr5-89913736-C-G.
Other names: c.323C>G (NM_032119.3); short protein forms P108R.
Identifiers: ClinVar variation 993773 (VCV000993773.49), dbSNP rs1158908533, ClinGen allele CA360385861.
Genomic context (GRCh38, chr5:90,617,919, plus strand): 5'-CTGCCGGAGAAACAAACAGAACAGTGTACATAGCAGTATGTGATGATGACTTACCAGAGC[C>G]TGACGAAACTTTTATTTTTCACTTAACATTACAGGTAAGTCCGTGTTTCCTCCTTATAAA-3'
Protein context (NP_115495.3, residues 98-118): IAVCDDDLPE[Pro108Arg]DETFIFHLTL

ClinVar aggregate classification (germline): Uncertain significance. Review status: criteria provided, multiple submitters, no conflicts (2 of 4 stars). 4 submissions from 4 submitters: Uncertain significance (4). Last evaluated 2023-07-13.

Conditions:
Febrile seizures, familial, 4 (FEB4). Also called: CONVULSIONS, FAMILIAL FEBRILE, 4. Identifiers: MedGen C1858493, MONDO:0011443, OMIM 604352.

Allele frequency attached by ClinVar (database versions not stated): gnomAD 0.00001; gnomAD exomes 0.00001 and 0.00003; TOPMed 0.00002.
gnomAD v4.1: 40 of 1,586,966 alleles (0.0025%); highest among the groups gnomAD compares: Non-Finnish European, 0.0033%; no homozygotes.

Submissions (4):

Athena Diagnostics
Classification: Uncertain significance. Last evaluated: 2023-07-13. Review status: criteria provided, single submitter. Criteria: Athena Diagnostics Criteria. Collection method: clinical testing. Allele origin: unknown.
Comment: Available data are insufficient to determine the clinical significance of the variant at this time. The frequency of this variant in the general population is uninformative in assessment of its pathogenicity. Computational tools disagree on the variant's effect on normal protein function.

Labcorp Genetics (formerly Invitae), Labcorp
Classification: Uncertain significance. Last evaluated: 2022-08-01. Review status: criteria provided, single submitter. Criteria: Invitae Variant Classification Sherloc (09022015). Collection method: clinical testing. Allele origin: germline.
Comment: This sequence change replaces proline, which is neutral and non-polar, with arginine, which is basic and polar, at codon 108 of the ADGRV1 protein (p.Pro108Arg). This variant is present in population databases (no rsID available, gnomAD 0.002%). This variant has not been reported in the literature in individuals affected with ADGRV1-related conditions. ClinVar contains an entry for this variant (Variation ID: 993773). Algorithms developed to predict the effect of missense changes on protein structure and function are either unavailable or do not agree on the potential impact of this missense change (SIFT: "Deleterious"; PolyPhen-2: "Probably Damaging"; Align-GVGD: "Class C0"). In summary, the available evidence is currently insufficient to determine the role of this variant in disease. Therefore, it has been classified as a Variant of Uncertain Significance.

New York Genome Center
Classification: Uncertain significance for Febrile seizures, familial, 4. Last evaluated: 2021-08-20. Review status: criteria provided, single submitter. Criteria: NYGC Assertion Criteria 2020. Collection method: clinical testing. Allele origin: inherited. Observed: 1 heterozygote. Study: CSER-NYCKidSeq.

ARUP Laboratories, Molecular Genetics and Genomics, ARUP Laboratories
Classification: Uncertain significance. Last evaluated: 2019-09-25. Review status: criteria provided, single submitter. Criteria: ARUP Molecular Germline Variant Investigation Process. Collection method: clinical testing. Allele origin: germline.
Comment: The ADGRV1 c.323C>G; p.Pro108Arg variant (rs1158908533), to our knowledge, is not reported in the medical literature or gene-specific databases. This variant is found on only two chromosomes (2/207608 alleles) in the Genome Aggregation Database. The proline at codon 108 is moderately conserved, and computational analyses (SIFT, PolyPhen-2) predict that this variant is deleterious. However, due to limited information, the clinical significance of the p.Pro108Arg variant is uncertain at this time.